The following is an entry in ClinVar:

ClinVar aggregate classification (germline): Uncertain significance (1 of 4 stars; one submission).

Allele frequency attached by ClinVar (database versions not stated): gnomAD exomes below 0.00001; gnomAD 0.00001; TOPMed 0.00001.
gnomAD v4.1: 2 of 1,613,716 alleles (0.00012%); highest among the groups gnomAD compares: African/African-American, 0.0027%; no homozygotes.

Submission:

Labcorp Genetics (formerly Invitae), Labcorp
Classification: Uncertain significance. Last evaluated: 2023-11-27. Review status: criteria provided, single submitter. Criteria: Invitae Variant Classification Sherloc (09022015). Collection method: clinical testing. Allele origin: germline.
Comment: This sequence change replaces proline, which is neutral and non-polar, with leucine, which is neutral and non-polar, at codon 2911 of the DMXL2 protein (p.Pro2911Leu). This variant is present in population databases (no rsID available, gnomAD 0.007%). This variant has not been reported in the literature in individuals affected with DMXL2-related conditions. ClinVar contains an entry for this variant (Variation ID: 1938777). An algorithm developed to predict the effect of missense changes on protein structure and function (PolyPhen-2) suggests that this variant is likely to be disruptive. In summary, the available evidence is currently insufficient to determine the role of this variant in disease. Therefore, it has been classified as a Variant of Uncertain Significance.

NM_001378457.1(DMXL2):c.8795C>T (p.Pro2932Leu)

Genes: DMXL2 (Dmx like 2; minus strand), LOC126862131 (MED14-independent group 3 enhancer GRCh37_chr15:51741640-51742839; plus strand). Cytogenetic location: 15q21.2.
Variant type: single nucleotide variant.
Coding change: c.8795C>T on transcript NM_001378457.1 (MANE Select); coding-DNA position 8795, C replaced by T.
Protein change: p.Pro2932Leu; replaces proline 2932 with leucine.
Molecular consequence: missense variant. On other transcripts: non-coding transcript variant (2).
Genome position (GRCh38, 1-based): chr15:51,450,301, G>A on the plus strand (C>T on the coding strand, the complement: DMXL2 is on the minus strand). VCF-style: chr15-51450301-G-A. GRCh37 (hg19) VCF-style: chr15-51742498-G-A.
Other names: c.8732C>T, p.Pro2911Leu (NM_001174116.3); c.6821C>T, p.Pro2274Leu (NM_001174117.3); c.8792C>T, p.Pro2931Leu (NM_001378458.1); c.8507C>T, p.Pro2836Leu (NM_001378459.1); c.6710C>T, p.Pro2237Leu (NM_001378460.1); c.8729C>T, p.Pro2910Leu (NM_015263.5); short protein forms P2237L, P2836L, P2911L, P2910L, P2931L, P2932L, P2274L.
Identifiers: ClinVar variation 1938777 (VCV001938777.3), dbSNP rs1371227683, ClinGen allele CA392429953.